The following is an entry in ClinVar:

ClinVar aggregate classification (germline): Conflicting classifications of pathogenicity. Review status: criteria provided, conflicting classifications (1 of 4 stars). 7 submissions from 7 submitters: Uncertain significance (3); Likely benign (1). 3 of the submissions do not count toward it. Last evaluated 2025-05-15.

Conditions:
Hereditary cancer-predisposing syndrome. Also called: Tumor predisposition; Neoplastic Syndromes, Hereditary; Hereditary neoplastic syndrome; Hereditary Cancer Syndrome. Identifiers: Orphanet 140162, MedGen C0027672, MeSH D009386, MONDO:0015356.
Hereditary breast ovarian cancer syndrome. Also called: Hereditary breast and ovarian cancer; Hereditary breast and ovarian cancer syndrome (HBOC); Hereditary breast and/or ovarian cancer syndrome; Breast and ovarian cancer; Hereditary breast and ovarian cancer syndrome; BRCA1- and BRCA2-Associated Hereditary Breast and Ovarian Cancer. Identifiers: Orphanet 145, MedGen C0677776, MeSH D061325, MONDO:0003582. Disease mechanism: loss of function.
Breast-ovarian cancer, familial, susceptibility to, 2 (BROVCA2). Also called: BRCA2 Hereditary Breast and Ovarian Cancer. Identifiers: Orphanet 145, MedGen C2675520, MONDO:0012933, OMIM 612555. Disease mechanism: loss of function.

Allele frequency attached by ClinVar (database versions not stated): gnomAD exomes 0.00001; ExAC 0.00002; 1000 Genomes Project 30x 0.00016; 1000 Genomes Project 0.00020.
gnomAD v4.1: 9 of 1,593,960 alleles (0.00056%); highest among the groups gnomAD compares: Non-Finnish European, 0.00077%; no homozygotes.

Submissions (7):

Labcorp Genetics (formerly Invitae), Labcorp
Classification: Uncertain significance for Hereditary breast ovarian cancer syndrome. Last evaluated: 2025-05-15. Review status: criteria provided, single submitter. Criteria: Invitae Variant Classification Sherloc (09022015). Collection method: clinical testing. Allele origin: germline.
Comment: This sequence change replaces histidine, which is basic and polar, with glutamine, which is neutral and polar, at codon 2147 of the BRCA2 protein (p.His2147Gln). This variant is present in population databases (rs80358879, gnomAD 0.002%). This missense change has been observed in individual(s) with breast cancer (PMID: 27328445). ClinVar contains an entry for this variant (Variation ID: 38045). Invitae Evidence Modeling of protein sequence and biophysical properties (such as structural, functional, and spatial information, amino acid conservation, physicochemical variation, residue mobility, and thermodynamic stability) indicates that this missense variant is not expected to disrupt BRCA2 protein function with a negative predictive value of 95%. In summary, the available evidence is currently insufficient to determine the role of this variant in disease. Therefore, it has been classified as a Variant of Uncertain Significance.

Ambry Genetics
Classification: Uncertain significance for Hereditary cancer-predisposing syndrome. Last evaluated: 2025-01-06. Review status: criteria provided, single submitter. Criteria: Ambry Variant Classification Scheme 2023. Collection method: clinical testing. Allele origin: germline.
Comment: The p.H2147Q variant (also known as c.6441C>G), located in coding exon 10 of the BRCA2 gene, results from a C to G substitution at nucleotide position 6441. The histidine at codon 2147 is replaced by glutamine, an amino acid with highly similar properties. In one study, this variant was reported in 1/19 individuals diagnosed with triple negative breast cancer (Spugnesi L et al. Genes Chromosomes Cancer, 2016 12;55:915-924). This alteration was also identified in an individual considered high risk for breast and/or ovarian cancer (Foglietta J et al. Genes (Basel), 2020 08;11:). This amino acid position is not well conserved in available vertebrate species. In addition, this alteration is predicted to be tolerated by in silico analysis. Based on the available evidence, the clinical significance of this variant remains unclear.

University of Washington Department of Laboratory Medicine, University of Washington
Classification: Likely benign for Hereditary cancer-predisposing syndrome. Last evaluated: 2023-03-23. Review status: criteria provided, single submitter. Criteria: Dines et al. (Genet Med. 2020). Collection method: curation. Allele origin: germline.
Comment: Missense variant in a coldspot region where missense variants are very unlikely to be pathogenic (PMID:31911673).

BRCA2 exon 11 coldspot. Reclassification based on statistical prior probability.

Quest Diagnostics Nichols Institute San Juan Capistrano
Classification: Uncertain significance. Last evaluated: 2016-11-30. Review status: criteria provided, single submitter. Criteria: Quest Diagnostics criteria. Collection method: clinical testing. Allele origin: germline.

Research Molecular Genetics Laboratory, Women's College Hospital, University of Toronto
Classification: Uncertain significance. Last evaluated: 2014-01-31. Review status: no assertion criteria provided. Collection method: research. Allele origin: germline. Affected: yes. Study: The Canadian Open Genetics Repository (COGR). Not counted in ClinVar's aggregate classification.

Sharing Clinical Reports Project (SCRP)
Classification: Uncertain significance for Breast-ovarian cancer, familial 2. Last evaluated: 2012-05-01. Review status: no assertion criteria provided. Collection method: clinical testing. Allele origin: germline. Not counted in ClinVar's aggregate classification.

Breast Cancer Information Core (BIC) (BRCA2)
Classification: Uncertain significance for Breast-ovarian cancer, familial 2. Last evaluated: 2002-05-29. Review status: no assertion criteria provided. Collection method: clinical testing. Allele origin: germline. Affected: yes. Observed: 3 variant alleles. Not counted in ClinVar's aggregate classification.

Literature cited by the submitters: PubMed 27328445 (cited by 3 submitters); PubMed 32806537 (cited by Ambry Genetics).

NM_000059.4(BRCA2):c.6441C>G (p.His2147Gln)

Gene: BRCA2 (BRCA2 DNA repair associated; plus strand). Cytogenetic location: 13q13.1.
Variant type: single nucleotide variant.
Coding change: c.6441C>G on transcript NM_000059.4 (MANE Select); coding-DNA position 6441, C replaced by G.
Protein change: p.His2147Gln; replaces histidine 2147 with glutamine.
Molecular consequence: missense variant.
Genome position (GRCh38, 1-based): chr13:32,340,796, C>G. VCF-style: chr13-32340796-C-G. GRCh37 (hg19) VCF-style: chr13-32914933-C-G.
Other names: 6669C>G; short protein forms H2147Q.
Identifiers: ClinVar variation 38045 (VCV000038045.20), dbSNP rs80358879, ClinGen allele CA024038.